The following is an entry in ClinVar:

NM_001267550.2(TTN):c.83925G>A (p.Lys27975=)

Genes: TTN (titin; minus strand), TTN-AS1 (TTN antisense RNA 1; plus strand). Cytogenetic location: 2q31.2.
Variant type: single nucleotide variant.
Coding change: c.83925G>A on transcript NM_001267550.2 (MANE Select); coding-DNA position 83925, G replaced by A.
Protein change: p.Lys27975=; no amino-acid change (lysine 27975 retained).
Molecular consequence: synonymous variant.
Genome position (GRCh38, 1-based): chr2:178,562,207, C>T on the plus strand (G>A on the coding strand, the complement: TTN is on the minus strand). VCF-style: chr2-178562207-C-T. GRCh37 (hg19) VCF-style: chr2-179426934-C-T.
Other names: c.79002G>A, p.Lys26334= (NM_001256850.1); c.56730G>A, p.Lys18910= (NM_003319.4); c.76221G>A, p.Lys25407= (NM_133378.4); c.57105G>A, p.Lys19035= (NM_133432.3); c.57306G>A, p.Lys19102= (NM_133437.4).
Identifiers: ClinVar variation 509650 (VCV000509650.5), dbSNP rs1031543708, ClinGen allele CA60985308.
Genomic context (GRCh38, chr2:178,562,207, plus strand): 5'-GTTCACAGTAGCTTGAGGTCTTCCTTTGAATGGCACATCAATCTTAAGTTGTTCTCTAGC[C>T]TTTACATTGAAAGTATGGAAAGGAAGCTCAACTGAAGGCTTTATTTCAATATCCCTTGCA-3'
Protein context (NP_001254479.2, residues 27965-27985): VELPFHTFNV[Lys27975=]AREQLKIDVP

ClinVar aggregate classification (germline): Conflicting classifications of pathogenicity. Review status: criteria provided, conflicting classifications (1 of 4 stars). 3 submissions from 3 submitters: Uncertain significance (1); Likely benign (2). Last evaluated 2026-08-20.

Conditions:
TTN-related disorder. Also called: TTN-related condition; TTN-related disease; TTN-related disorders.

Allele frequency attached by ClinVar (database versions not stated): gnomAD exomes 0.00001; gnomAD 0.00004; TOPMed 0.00022.
gnomAD v4.1: 17 of 1,612,532 alleles (0.0011%); highest among the groups gnomAD compares: Admixed American, 0.022%; no homozygotes.

Submissions (3):

PreventionGenetics, part of Exact Sciences
Classification: Likely benign for TTN-related condition. Last evaluated: 2026-08-20. Review status: criteria provided, single submitter. Criteria: ACMG Guidelines, 2015. Collection method: clinical testing. Allele origin: germline.
Comment: This variant is classified as likely benign based on ACMG/AMP sequence variant interpretation guidelines (Richards et al. 2015 PMID: 25741868, with internal and published modifications).

Revvity Omics, Revvity
Classification: Uncertain significance. Last evaluated: 2019-12-19. Review status: criteria provided, single submitter. Criteria: ACMG Guidelines, 2015. Collection method: clinical testing. Allele origin: germline.

GeneDx
Classification: Likely benign. Last evaluated: 2017-05-12. Review status: criteria provided, single submitter. Criteria: GeneDx Variant Classification (06012015). Collection method: clinical testing. Allele origin: germline. Affected: yes.
Comment: This variant is considered likely benign or benign based on one or more of the following criteria: it is a conservative change, it occurs at a poorly conserved position in the protein, it is predicted to be benign by multiple in silico algorithms, and/or has population frequency not consistent with disease.